The following is an entry in ClinVar:

NM_000153.4(GALC):c.787G>A (p.Ala263Thr)

Gene: GALC (galactosylceramidase; minus strand). Cytogenetic location: 14q31.3.
Variant type: single nucleotide variant.
Coding change: c.787G>A on transcript NM_000153.4 (MANE Select); coding-DNA position 787, G replaced by A.
Protein change: p.Ala263Thr; replaces alanine 263 with threonine.
Molecular consequence: missense variant.
Genome position (GRCh38, 1-based): chr14:87,968,456, C>T on the plus strand (G>A on the coding strand, the complement: GALC is on the minus strand). VCF-style: chr14-87968456-C-T. GRCh37 (hg19) VCF-style: chr14-88434800-C-T.
Other names: c.718G>A, p.Ala240Thr (NM_001201401.2); c.709G>A, p.Ala237Thr (NM_001201402.2); short protein forms A263T, A237T, A240T.
Identifiers: ClinVar variation 575192 (VCV000575192.10), dbSNP rs1308816724, ClinGen allele CA390748135.

ClinVar aggregate classification (germline): Conflicting classifications of pathogenicity. Review status: criteria provided, conflicting classifications (1 of 4 stars). 6 submissions from 6 submitters: Likely pathogenic (2); Uncertain significance (2). 2 of the submissions do not count toward it. Last evaluated 2025-12-30.

Conditions:
Galactosylceramide beta-galactosidase deficiency. Also called: Leukodystrophy, Globoid Cell; GALACTOCEREBROSIDASE DEFICIENCY; GALC DEFICIENCY; GLOBOID CELL LEUKOENCEPHALOPATHY; Krabbe Disease. Identifiers: Orphanet 487, MedGen C0023521, MONDO:0009499, OMIM 245200.

Allele frequency attached by ClinVar (database versions not stated): TOPMed below 0.00001; gnomAD exomes 0.00001 and 0.00002.

Submissions (6):

GeneDx
Classification: Likely pathogenic. Last evaluated: 2025-12-30. Review status: criteria provided, single submitter. Criteria: GeneDx Variant Classification Process June 2021. Collection method: clinical testing. Allele origin: germline.
Comment: Published functional studies demonstrate a damaging effect with reduced GALC activity (PMID: 27638593); Not observed at significant frequency in large population cohorts (gnomAD); In silico analysis suggests that this missense variant does not alter protein structure/function; This variant is associated with the following publications: (PMID: 9338580, 27638593, 37597066)

Women's Health and Genetics/Laboratory Corporation of America, LabCorp
Classification: Likely pathogenic for Galactosylceramide beta-galactosidase deficiency. Last evaluated: 2025-05-23. Review status: criteria provided, single submitter. Criteria: LabCorp Variant Classification Summary - May 2015. Collection method: clinical testing. Allele origin: germline.
Comment: Variant summary: GALC c.787G>A (p.Ala263Thr) results in a non-conservative amino acid change in the encoded protein sequence. Algorithms developed to predict the effect of missense changes on protein structure and function all suggest that this variant is likely to be disruptive. The variant allele was found at a frequency of 8e-06 in 249230 control chromosomes (gnomAD). c.787G>A has been observed in individuals affected with features of Krabbe Disease (Wenger_1997, Ashrafi_2023). These data indicate that the variant may be associated with disease. At least one publication reports experimental evidence evaluating an impact on protein function. The most pronounced variant effect results in <10% of normal enzymatic activity (Saavedra-Matiz_2016). The following publications have been ascertained in the context of this evaluation (PMID: 9338580, 27638593, 37597066). ClinVar contains an entry for this variant (Variation ID: 575192). Based on the evidence outlined above, the variant was classified as likely pathogenic.

Blueprint Genetics
Classification: Uncertain significance. Last evaluated: 2023-09-21. Review status: criteria provided, single submitter. Criteria: ACMG Guidelines, 2015. Collection method: clinical testing. Allele origin: germline.

Labcorp Genetics (formerly Invitae), Labcorp
Classification: Uncertain significance for Galactosylceramide beta-galactosidase deficiency. Last evaluated: 2018-01-30. Review status: criteria provided, single submitter. Criteria: Invitae Variant Classification Sherloc (09022015). Collection method: clinical testing. Allele origin: germline.
Comment: This sequence change replaces alanine with threonine at codon 263 of the GALC protein (p.Ala263Thr). The alanine residue is highly conserved and there is a small physicochemical difference between alanine and threonine. This variant is not present in population databases (ExAC no frequency). This variant has been reported in combination with another GALC variant in an individual affected with Krabbe disease (PMID: 9338580). However, in that individual, a pathogenic homozygous variant was also identified in GALC, which suggests that the c.787G>A may not contribute to disease. This variant is also known as c.739G>A (p.Ala247Thr) in the literature. Experimental studies have shown that this missense change significantly reduces GLAC enzyme activity (PMID: 27638593). In summary, the available evidence is currently insufficient to determine the role of this variant in disease. Therefore, it has been classified as a Variant of Uncertain Significance.

Natera, Inc.
Classification: Uncertain significance for Galactosylceramide beta-galactosidase deficiency. Last evaluated: 2020-11-20. Review status: no assertion criteria provided. Collection method: clinical testing. Allele origin: germline. Not counted in ClinVar's aggregate classification.

Myelin Disorders Clinic-Children's Medical Center/Medical Genetics Lab-Tarbiat Modares University, Children's Medical Center, Pediatrics Center of Excellence,
Classification: Uncertain significance for Galactosylceramide beta-galactosidase deficiency. Review status: no assertion criteria provided. Collection method: clinical testing. Allele origin: inherited. Inheritance: Autosomal recessive inheritance. Affected: yes. Not counted in ClinVar's aggregate classification.

Literature cited by the submitters: PubMed 9338580 (cited by Women's Health and Genetics/Laboratory Corporation of America, LabCorp and Labcorp Genetics (formerly Invitae), Labcorp); PubMed 27638593 (cited by Women's Health and Genetics/Laboratory Corporation of America, LabCorp and Labcorp Genetics (formerly Invitae), Labcorp); PubMed 37597066 (cited by Women's Health and Genetics/Laboratory Corporation of America, LabCorp).